The following is an entry in ClinVar:

ClinVar aggregate classification (germline): Uncertain significance (1 of 4 stars; one submission).

Submission:

Labcorp Genetics (formerly Invitae), Labcorp
Classification: Uncertain significance. Last evaluated: 2025-03-25. Review status: criteria provided, single submitter. Criteria: Invitae Variant Classification Sherloc (09022015). Collection method: clinical testing. Allele origin: germline.
Comment: This sequence change falls in intron 20 of the CLCN2 gene. It does not directly change the encoded amino acid sequence of the CLCN2 protein. It affects a nucleotide within the consensus splice site. This variant is not present in population databases (gnomAD no frequency). This variant has not been reported in the literature in individuals affected with CLCN2-related conditions. Variants that disrupt the consensus splice site are a relatively common cause of aberrant splicing (PMID: 17576681, 9536098). Algorithms developed to predict the effect of sequence changes on RNA splicing suggest that this variant may disrupt the consensus splice site. In summary, the available evidence is currently insufficient to determine the role of this variant in disease. Therefore, it has been classified as a Variant of Uncertain Significance.

Literature cited by the submitters: PubMed 17576681; PubMed 9536098.

NM_004366.6(CLCN2):c.2271+4A>G

Gene: CLCN2 (chloride voltage-gated channel 2; minus strand). Cytogenetic location: 3q27.1.
Variant type: single nucleotide variant.
Coding change: c.2271+4A>G on transcript NM_004366.6 (MANE Select); 4 bases into the intron after coding-DNA position 2271, A replaced by G.
Molecular consequence: intron variant.
Genome position (GRCh38, 1-based): chr3:184,352,439, T>C on the plus strand (A>G on the coding strand, the complement: CLCN2 is on the minus strand). VCF-style: chr3-184352439-T-C. GRCh37 (hg19) VCF-style: chr3-184070227-T-C.
Other names: c.2139+4A>G (NM_001171088.3); c.2220+4A>G (NM_001171087.3); c.2271+4A>G (NM_001171089.3).
Identifiers: ClinVar variation 4715297 (VCV004715297.1).
Genomic context (GRCh38, chr3:184,352,439, plus strand): 5'-CCAGCCTAGACCCTGCCCTCCCTGCCCGGTGCCGCCGAGATGCTAGAAGAGCAGGCATAC[T>C]TACTGCCAGGGAGATTCGGACACGCTTCAGCTTGCGCTTCTCACAGGATTCCAACTTCTT-3'